The following is an entry in ClinVar:

ClinVar aggregate classification (germline): Uncertain significance (1 of 4 stars; one submission).

Allele frequency attached by ClinVar (database versions not stated): gnomAD exomes below 0.00001; TOPMed 0.00001.
gnomAD v4.1: 6 of 1,605,012 alleles (0.00037%); highest among the groups gnomAD compares: Admixed American, 0.005%; no homozygotes.

Submission:

Labcorp Genetics (formerly Invitae), Labcorp
Classification: Uncertain significance. Last evaluated: 2024-12-30. Review status: criteria provided, single submitter. Criteria: Invitae Variant Classification Sherloc (09022015). Collection method: clinical testing. Allele origin: germline.
Comment: This sequence change replaces methionine, which is neutral and non-polar, with isoleucine, which is neutral and non-polar, at codon 614 of the ZNF408 protein (p.Met614Ile). This variant is present in population databases (no rsID available, gnomAD 0.006%). This variant has not been reported in the literature in individuals affected with ZNF408-related conditions. ClinVar contains an entry for this variant (Variation ID: 2146083). An algorithm developed to predict the effect of missense changes on protein structure and function (PolyPhen-2) suggests that this variant is likely to be disruptive. In summary, the available evidence is currently insufficient to determine the role of this variant in disease. Therefore, it has been classified as a Variant of Uncertain Significance.

NM_024741.3(ZNF408):c.1842G>A (p.Met614Ile)

Gene: ZNF408 (zinc finger protein 408; plus strand). Cytogenetic location: 11p11.2.
Variant type: single nucleotide variant.
Coding change: c.1842G>A on transcript NM_024741.3 (MANE Select); coding-DNA position 1842, G replaced by A.
Protein change: p.Met614Ile; replaces methionine 614 with isoleucine.
Molecular consequence: missense variant.
Genome position (GRCh38, 1-based): chr11:46,705,542, G>A. VCF-style: chr11-46705542-G-A. GRCh37 (hg19) VCF-style: chr11-46727092-G-A.
Other names: c.1818G>A, p.Met606Ile (NM_001184751.2); short protein forms M606I, M614I.
Identifiers: ClinVar variation 2146083 (VCV002146083.4), dbSNP rs1335552544, ClinGen allele CA380257644.